The following is an entry in ClinVar:

NM_139058.3(ARX):c.303_317del (p.Ala111_Ala115del)

Genes: ARX (aristaless related homeobox; minus strand), LOC109610631 (aristaless related homeobox polyalanine expansion region; plus strand). Cytogenetic location: Xp21.3.
Variant type: Deletion.
Coding change: c.303_317del on transcript NM_139058.3 (MANE Select); coding-DNA positions 303 to 317, 15 bases deleted (AGCGGCGGCGGCGGC).
Protein change: p.Ala111_Ala115del.
Molecular consequence: inframe deletion.
Genome position (GRCh38, 1-based): chrX:25,013,678-25,013,692, GCCGCCGCCGCCGCT deleted on the plus strand (AGCGGCGGCGGCGGC on the coding strand, the reverse complement: ARX is on the minus strand); deleting any 15 consecutive bases within chrX:25,013,678-25,013,697 gives the same sequence; the c. name uses the placement nearest the transcript's 3' end. VCF-style (leftmost placement, unchanged base first): chrX-25013677-CGCCGCCGCCGCCGCT-C. GRCh37 (hg19) VCF-style: chrX-25031794-CGCCGCCGCCGCCGCT-C.
Other names: c.303_317del15 (NM_139058.2).
Identifiers: ClinVar variation 969560 (VCV000969560.12), dbSNP rs1156871090, ClinGen allele CA874148013.
Genomic context (GRCh38, chrX:25,013,677, plus strand): 5'-AGGGGCCTCCCCGCGTGGACCCGCCGTGGCCGTGGCGGCCGCTGCCGCCGCCGCCGCCGC[CGCCGCCGCCGCCGCT>C]GCCGCACCCTGAAGGAGGCGGCCCCCGCCCGGGCCGTACAGGCGCCGCAGCTTGGGCGGC-3'

ClinVar aggregate classification (germline): Conflicting classifications of pathogenicity. Review status: criteria provided, conflicting classifications (1 of 4 stars). 2 submissions from 2 submitters: Uncertain significance (1); Likely benign (1). Last evaluated 2025-09-10.

Conditions:
Inborn genetic diseases. Identifiers: MedGen C0950123, MeSH D030342.
Developmental and epileptic encephalopathy, 1 (DEE1). Also called: Epileptic encephalopathy, early infantile, 1; INFANTILE SPASM SYNDROME, X-LINKED 1; OHTAHARA SYNDROME, X-LINKED; X-linked infantile spasms; West's syndrome; Tonic spasms with clustering, arrest of psychomotor development and hypsarrhythmia on EEG. Identifiers: MedGen C3463992, MONDO:0010632, OMIM 308350. Disease mechanism: loss of function.
Intellectual disability, X-linked, with or without seizures, ARX-related. Also called: Mental retardation, X-linked 52; MENTAL RETARDATION, X-LINKED 29; MENTAL RETARDATION, X-LINKED 32; MENTAL RETARDATION, X-LINKED 33; MENTAL RETARDATION, X-LINKED 38; MENTAL RETARDATION, X-LINKED 43. Identifiers: Orphanet 777, MedGen C0796244, MONDO:0010317, OMIM 300419.

Submissions (2):

Labcorp Genetics (formerly Invitae), Labcorp
Classification: Uncertain significance for Developmental and epileptic encephalopathy, 1; Intellectual disability, X-linked, with or without seizures, ARX-related. Last evaluated: 2025-09-10. Review status: criteria provided, single submitter. Criteria: Invitae Variant Classification Sherloc (09022015). Collection method: clinical testing. Allele origin: germline.
Comment: This variant, c.303_317del, results in the deletion of 5 amino acid(s) of the ARX protein (p.Ala111_Ala115del), but otherwise preserves the integrity of the reading frame. The frequency data for this variant in the population databases is considered unreliable, as metrics indicate insufficient coverage at this position in the gnomAD database. This variant has not been reported in the literature in individuals affected with ARX-related conditions. ClinVar contains an entry for this variant (Variation ID: 969560). Experimental studies and prediction algorithms are not available or were not evaluated, and the functional significance of this variant is currently unknown. In summary, the available evidence is currently insufficient to determine the role of this variant in disease. Therefore, it has been classified as a Variant of Uncertain Significance.

Ambry Genetics
Classification: Likely benign for Inborn genetic diseases. Last evaluated: 2018-01-31. Review status: criteria provided, single submitter. Criteria: Ambry Variant Classification Scheme 2023. Collection method: clinical testing. Allele origin: germline.